The following is an entry in ClinVar:

NM_001142800.2(EYS):c.2513C>T (p.Pro838Leu)

Gene: EYS (EGF-like photoreceptor maintenance factor; minus strand). Cytogenetic location: 6q12.
Variant type: single nucleotide variant.
Coding change: c.2513C>T on transcript NM_001142800.2 (MANE Select); coding-DNA position 2513, C replaced by T.
Protein change: p.Pro838Leu; replaces proline 838 with leucine.
Molecular consequence: missense variant.
Genome position (GRCh38, 1-based): chr6:64,912,612, G>A on the plus strand (C>T on the coding strand, the complement: EYS is on the minus strand). VCF-style: chr6-64912612-G-A. GRCh37 (hg19) VCF-style: chr6-65622505-G-A.
Other names: c.2513C>T, p.Pro838Leu (NM_001292009.2); short protein forms P838L.
Identifiers: ClinVar variation 1426946 (VCV001426946.7), dbSNP rs867716723, ClinGen allele CA140380278.

ClinVar aggregate classification (germline): Uncertain significance (1 of 4 stars; one submission).

Allele frequency attached by ClinVar (database versions not stated): gnomAD exomes below 0.00001; gnomAD 0.00009 and 0.00010.
gnomAD v4.1: 20 of 1,550,900 alleles (0.0013%); highest among the groups gnomAD compares: African/African-American, 0.026%; no homozygotes.

Submission:

Labcorp Genetics (formerly Invitae), Labcorp
Classification: Uncertain significance. Last evaluated: 2025-01-29. Review status: criteria provided, single submitter. Criteria: Invitae Variant Classification Sherloc (09022015). Collection method: clinical testing. Allele origin: germline.
Comment: This sequence change replaces proline, which is neutral and non-polar, with leucine, which is neutral and non-polar, at codon 838 of the EYS protein (p.Pro838Leu). This variant is present in population databases (no rsID available, gnomAD 0.03%). This variant has not been reported in the literature in individuals affected with EYS-related conditions. ClinVar contains an entry for this variant (Variation ID: 1426946). Invitae Evidence Modeling of protein sequence and biophysical properties (such as structural, functional, and spatial information, amino acid conservation, physicochemical variation, residue mobility, and thermodynamic stability) indicates that this missense variant is expected to disrupt EYS protein function with a positive predictive value of 80%. In summary, the available evidence is currently insufficient to determine the role of this variant in disease. Therefore, it has been classified as a Variant of Uncertain Significance.